The following is an entry in ClinVar:

NM_001372.4(DNAH9):c.11086del (p.His3696fs)

Gene: DNAH9 (dynein axonemal heavy chain 9; plus strand). Cytogenetic location: 17p12.
Variant type: Deletion.
Coding change: c.11086del on transcript NM_001372.4 (MANE Select); coding-DNA position 11086, one base deleted (C; older notation c.11086delC).
Protein change: p.His3696fs; shifts the reading frame from histidine 3696.
Molecular consequence: frameshift variant.
Genome position (GRCh38, 1-based): chr17:11,886,939, C deleted; the last of 2 consecutive C bases (chr17:11,886,938-11,886,939); deleting either gives the same sequence. VCF-style (leftmost placement, unchanged base first): chr17-11886937-TC-T. GRCh37 (hg19) VCF-style: chr17-11790254-TC-T.
Other names: c.22del, p.His8fs (NM_004662.2); short protein forms H8fs, H3696fs.
Identifiers: ClinVar variation 4997362 (VCV004997362.1).

ClinVar aggregate classification (germline): Likely pathogenic (1 of 4 stars; one submission).

Conditions:
DNAH9-related disorder. Also called: DNAH9-related condition.

Submission:

PreventionGenetics, part of Exact Sciences
Classification: Likely pathogenic for DNAH9-related condition. Last evaluated: 2025-04-09. Review status: criteria provided, single submitter. Criteria: ACMG Guidelines, 2015. Collection method: clinical testing. Allele origin: germline.
Comment: The DNAH9 c.11086delC variant is predicted to result in a frameshift and premature protein termination (p.His3696Ilefs*35). To our knowledge, this variant has not been reported in the literature or in a large population database (gnomAD), indicating this variant is rare. Frameshift variants in DNAH9 are expected to be pathogenic. This variant is interpreted as likely pathogenic.